The following is an entry in ClinVar:

NM_020975.6(RET):c.2428G>C (p.Gly810Arg)

Gene: RET (ret proto-oncogene; plus strand). Cytogenetic location: 10q11.21.
Variant type: single nucleotide variant.
Coding change: c.2428G>C on transcript NM_020975.6 (MANE Select); coding-DNA position 2428, G replaced by C.
Protein change: p.Gly810Arg; replaces glycine 810 with arginine.
Molecular consequence: missense variant.
Genome position (GRCh38, 1-based): chr10:43,119,566, G>C. VCF-style: chr10-43119566-G-C. GRCh37 (hg19) VCF-style: chr10-43615014-G-C.
Other names: c.2140G>C, p.Gly714Arg (NM_001406766.1, NM_001406767.1, NM_001406770.1); c.1666G>C, p.Gly556Arg (NM_001355216.2); c.2428G>C, p.Gly810Arg (NM_001406743.1, NM_001406744.1, NM_001406759.1 and 2 more transcripts); c.2299G>C, p.Gly767Arg (NM_001406761.1, NM_001406762.1, NM_001406764.1); c.2293G>C, p.Gly765Arg (NM_001406763.1, NM_001406765.1); c.1702G>C, p.Gly568Arg (NM_001406776.1, NM_001406777.1, NM_001406778.1 and 1 more transcripts); c.1531G>C, p.Gly511Arg (NM_001406779.1, NM_001406780.1, NM_001406781.1 and 1 more transcripts); c.1402G>C, p.Gly468Arg (NM_001406783.1, NM_001406786.1); and 10 more; short protein forms G375R, G480R, G635R, G664R, G722R, G765R, G415R, G568R.
Identifiers: ClinVar variation 3659647 (VCV003659647.2).
Genomic context (GRCh38, chr10:43,119,566, plus strand): 5'-CAGGGCCCCCTCTCTCCGCCCCCAGGCCCGCTCCTCCTCATCGTGGAGTACGCCAAATAC[G>C]GCTCCCTGCGGGGCTTCCTCCGCGAGAGCCGCAAAGTGGGGCCTGGCTACCTGGGCAGTG-3'
Protein context (NP_066124.1, residues 800-820): LLLIVEYAKY[Gly810Arg]SLRGFLRESR

ClinVar aggregate classification (germline): Uncertain significance (1 of 4 stars; one submission).

Conditions:
Multiple endocrine neoplasia, type 2 (MEN2). Identifiers: Orphanet 653, MedGen C4048306, MONDO:0019003. Disease mechanism: gain of function.

Submission:

Labcorp Genetics (formerly Invitae), Labcorp
Classification: Uncertain significance for Multiple endocrine neoplasia, type 2. Last evaluated: 2024-07-16. Review status: criteria provided, single submitter. Criteria: Invitae Variant Classification Sherloc (09022015). Collection method: clinical testing. Allele origin: germline.
Comment: This sequence change replaces glycine, which is neutral and non-polar, with arginine, which is basic and polar, at codon 810 of the RET protein (p.Gly810Arg). This variant is not present in population databases (gnomAD no frequency). This variant has not been reported in the literature in individuals affected with RET-related conditions. An algorithm developed to predict the effect of missense changes on protein structure and function (PolyPhen-2) suggests that this variant is likely to be disruptive. In summary, the available evidence is currently insufficient to determine the role of this variant in disease. Therefore, it has been classified as a Variant of Uncertain Significance.